The following is an entry in ClinVar:

NM_000051.4(ATM):c.492G>C (p.Trp164Cys)

Gene: ATM (ATM serine/threonine kinase; plus strand). Cytogenetic location: 11q22.3.
Variant type: single nucleotide variant.
Coding change: c.492G>C on transcript NM_000051.4 (MANE Select); coding-DNA position 492, G replaced by C.
Protein change: p.Trp164Cys; replaces tryptophan 164 with cysteine.
Molecular consequence: missense variant.
Genome position (GRCh38, 1-based): chr11:108,235,830, G>C. VCF-style: chr11-108235830-G-C. GRCh37 (hg19) VCF-style: chr11-108106557-G-C.
Other names: c.492G>C, p.Trp164Cys (NM_001351834.2); short protein forms W164C.
Identifiers: ClinVar variation 3626738 (VCV003626738.3).

ClinVar aggregate classification (germline): Uncertain significance. Review status: criteria provided, multiple submitters, no conflicts (2 of 4 stars). 2 submissions from 2 submitters: Uncertain significance (2). Last evaluated 2025-05-30.

Conditions:
Hereditary cancer-predisposing syndrome. Also called: Neoplastic Syndromes, Hereditary; Tumor predisposition; Hereditary Cancer Syndrome; Hereditary neoplastic syndrome. Identifiers: Orphanet 140162, MedGen C0027672, MeSH D009386, MONDO:0015356.
Ataxia-telangiectasia syndrome (AT). Also called: Ataxia-telangiectasia, complementation group D; AT, COMPLEMENTATION GROUP C; Ataxia-telangiectasia; Ataxia telangiectasia (A-T); Cerebello-oculocutaneous telangiectasia; Immunodeficiency with ataxia telangiectasia. Identifiers: Orphanet 100, MedGen C0004135, MONDO:0008840, OMIM 208900.

Submissions (2):

Ambry Genetics
Classification: Uncertain significance for Hereditary cancer-predisposing syndrome. Last evaluated: 2025-05-30. Review status: criteria provided, single submitter. Criteria: Ambry Variant Classification Scheme 2023. Collection method: clinical testing. Allele origin: germline.
Comment: The p.W164C variant (also known as c.492G>C), located in coding exon 4 of the ATM gene, results from a G to C substitution at nucleotide position 492. The tryptophan at codon 164 is replaced by cysteine, an amino acid with highly dissimilar properties. This amino acid position is highly conserved in available vertebrate species. In addition, this alteration is predicted to be deleterious by in silico analysis. Based on the available evidence, the clinical significance of this variant remains unclear.

Labcorp Genetics (formerly Invitae), Labcorp
Classification: Uncertain significance for Ataxia-telangiectasia syndrome. Last evaluated: 2024-03-22. Review status: criteria provided, single submitter. Criteria: Invitae Variant Classification Sherloc (09022015). Collection method: clinical testing. Allele origin: germline.
Comment: This sequence change replaces tryptophan, which is neutral and slightly polar, with cysteine, which is neutral and slightly polar, at codon 164 of the ATM protein (p.Trp164Cys). This variant is not present in population databases (gnomAD no frequency). This missense change has been observed in individual(s) with ATM-related conditions (PMID: 31871109). An algorithm developed to predict the effect of missense changes on protein structure and function (PolyPhen-2) suggests that this variant is likely to be disruptive. In summary, the available evidence is currently insufficient to determine the role of this variant in disease. Therefore, it has been classified as a Variant of Uncertain Significance.

Literature cited by the submitters: PubMed 31871109 (cited by Ambry Genetics and Labcorp Genetics (formerly Invitae), Labcorp).